The following is an entry in ClinVar:

ClinVar aggregate classification (germline): Benign (0 of 4 stars; one submission).

Conditions:
GFRA1-related disorder. Also called: GFRA1-related condition.

Allele frequency attached by ClinVar (database versions not stated): ESP Exome Variant Server 0.00538; 1000 Genomes Project 0.00539; 1000 Genomes Project 30x 0.00578.
gnomAD v4.1: 1,175 of 1,614,026 alleles (0.073%); highest among the groups gnomAD compares: African/African-American, 1.4%; 8 homozygotes.

Submission:

PreventionGenetics, part of Exact Sciences
Classification: Benign for GFRA1-related condition. Last evaluated: 2024-06-06. Review status: no assertion criteria provided. Collection method: clinical testing. Allele origin: germline.
Comment: This variant is classified as benign based on ACMG/AMP sequence variant interpretation guidelines (Richards et al. 2015 PMID: 25741868, with internal and published modifications).

NM_005264.8(GFRA1):c.282G>A (p.Lys94=)

Gene: GFRA1 (GDNF family receptor alpha 1; minus strand). Cytogenetic location: 10q25.3.
Variant type: single nucleotide variant.
Coding change: c.282G>A on transcript NM_005264.8 (MANE Select); coding-DNA position 282, G replaced by A.
Protein change: p.Lys94=; no amino-acid change (lysine 94 retained).
Molecular consequence: synonymous variant.
Genome position (GRCh38, 1-based): chr10:116,270,874, C>T on the plus strand (G>A on the coding strand, the complement: GFRA1 is on the minus strand). VCF-style: chr10-116270874-C-T. GRCh37 (hg19) VCF-style: chr10-118030386-C-T.
Other names: c.282G>A, p.Lys94= (NM_001145453.4, NM_001348096.3, NM_001348097.1 and 8 more transcripts).
Identifiers: ClinVar variation 3035761 (VCV003035761.2), dbSNP rs34371262, ClinGen allele CA5705480.
Genomic context (GRCh38, chr10:116,270,874, plus strand): 5'-ACGCGTACCCTGCAGGCTCTGGTACATGCTCCAGTAAATGCGCAGGCAGTTCTTCTCCTT[C>T]TTCATACCCCGCTTGCAGCGGCAGTTGTAGAGCGACTTCTGCTTCAGGGCCTCCATGGCG-3'
Protein context (NP_005255.1, residues 84-104): LYNCRCKRGM[Lys94=]KEKNCLRIYW